The following is an entry in ClinVar:

ClinVar aggregate classification (germline): Conflicting classifications of pathogenicity. Review status: criteria provided, conflicting classifications (1 of 4 stars). 2 submissions from 2 submitters: Uncertain significance (1); Likely benign (1). Last evaluated 2026-01-05.

Conditions:
Cardiomyopathy (CMYO). Also called: Cardiomyopathies. Identifiers: Orphanet 167848, MedGen C0878544, MONDO:0004994, HP:0001638. Inheritance: Various modes of inheritance.
Hypertrophic cardiomyopathy. Also called: HYPERTROPHIC MYOCARDIOPATHY. Identifiers: Orphanet 217569, MedGen C0007194, MeSH D002312, MONDO:0005045, HP:0001639.

Allele frequency attached by ClinVar (database versions not stated): TOPMed 0.00002.
gnomAD v4.1: 22 of 1,607,442 alleles (0.0014%); highest among the groups gnomAD compares: South Asian, 0.02%; 1 homozygote.

Submissions (2):

Labcorp Genetics (formerly Invitae), Labcorp
Classification: Likely benign for Hypertrophic cardiomyopathy. Last evaluated: 2026-01-05. Review status: criteria provided, single submitter. Criteria: Invitae Variant Classification Sherloc (09022015). Collection method: clinical testing. Allele origin: germline.

Color Diagnostics, LLC DBA Color Health
Classification: Uncertain significance for Cardiomyopathy. Last evaluated: 2023-01-23. Review status: criteria provided, single submitter. Criteria: ACMG Guidelines, 2015. Collection method: clinical testing. Allele origin: germline.
Comment: This variant causes a C to G nucleotide substitution at the -5 position of intron 22 of the MYBPC3 gene. Splice site prediction tools predict that this variant may have a significant impact on RNA splicing. To our knowledge, functional studies have not been reported for this variant. This variant has not been reported in individuals affected with MYBPC3-related disorders in the literature. This variant has been identified in 7/239032 chromosomes in the general population by the Genome Aggregation Database (gnomAD). The available evidence is insufficient to determine the role of this variant in disease conclusively. Therefore, this variant is classified as a Variant of Uncertain Significance.

NC_000011.10:g.47338684G>C

Gene: MYBPC3 (myosin binding protein C3; minus strand). Cytogenetic location: 11p11.2.
Variant type: single nucleotide variant.
Genome position: GRCh38 VCF-style: chr11-47338684-G-C. GRCh37 (hg19) VCF-style: chr11-47360235-G-C.
Other names: c.2149-5C>G (LRG_386t1, NM_000256.3).
Identifiers: ClinVar variation 628772 (VCV000628772.9), dbSNP rs36211722, ClinGen allele CA078548.
Genomic context (GRCh38, chr11:47,338,684, plus strand): 5'-ATGCTGCGGTCCTTGGTGGTCTCCACGCGGACCCGGCCCTCGGTCTCACACAGCAGCTGG[G>C]GGGGTGCAGAGTTGGGGTGAGATCCAAGTCAGACCCCAGAGGCCCTTGCAGCCTCCGCCA-3'